The following is an entry in ClinVar:

ClinVar aggregate classification (germline): Likely pathogenic (1 of 4 stars; one submission).

Conditions:
Lamellar ichthyosis. Identifiers: Orphanet 313, MedGen C5848247, MONDO:0017778.

Submission:

Women's Health and Genetics/Laboratory Corporation of America, LabCorp
Classification: Likely pathogenic for Lamellar ichthyosis. Last evaluated: 2024-08-02. Review status: criteria provided, single submitter. Criteria: LabCorp Variant Classification Summary - May 2015. Collection method: clinical testing. Allele origin: germline.
Comment: Variant summary: ALOX12B c.352+2T>G is located in a canonical splice-site and is predicted to affect mRNA splicing resulting in a significantly altered protein due to either exon skipping, shortening, or inclusion of intronic material. Variants that disrupt the consensus splice site are a relatively common cause of aberrant splicing and loss of ALOX12B function. Several computational tools predict a significant impact on normal splicing: Four predict the variant abolishes a 5' splicing donor site. However, these predictions have yet to be confirmed by functional studies. The variant was absent in 251298 control chromosomes. To our knowledge, no occurrence of c.352+2T>G in individuals affected with Lamellar Ichthyosis and no experimental evidence demonstrating its impact on protein function have been reported. No submitters have cited clinical-significance assessments for this variant to ClinVar. Based on the evidence outlined above, the variant was classified as likely pathogenic.

NM_001139.3(ALOX12B):c.352+2T>G

Gene: ALOX12B (arachidonate 12-lipoxygenase, 12R type; minus strand). Cytogenetic location: 17p13.1.
Variant type: single nucleotide variant.
Coding change: c.352+2T>G on transcript NM_001139.3 (MANE Select); the canonical splice donor site of the intron after coding-DNA position 352, T replaced by G.
Molecular consequence: splice donor variant.
Genome position (GRCh38, 1-based): chr17:8,086,014, A>C on the plus strand (T>G on the coding strand, the complement: ALOX12B is on the minus strand). VCF-style: chr17-8086014-A-C. GRCh37 (hg19) VCF-style: chr17-7989332-A-C.
Identifiers: ClinVar variation 3366535 (VCV003366535.1).